The following is an entry in ClinVar:

ClinVar aggregate classification (germline): Benign (1 of 4 stars; one submission).

Allele frequency attached by ClinVar (database versions not stated): gnomAD exomes 0.19402; gnomAD 0.35148; TOPMed 0.37801; 1000 Genomes Project 0.40795; 1000 Genomes Project 30x 0.41583.
gnomAD v4.1: 208,044 of 942,708 alleles (22%); highest among the groups gnomAD compares: African/African-American, 76%; 33,774 homozygotes.

Submission:

Unidad de Genómica Garrahan, Hospital de Pediatría Garrahan
Classification: Benign. Last evaluated: 2023-11-12. Review status: criteria provided, single submitter. Criteria: ACMG Guidelines, 2015. Collection method: clinical testing. Allele origin: germline. Affected: no. Observed: 32 variant alleles.
Comment: This variant is classified as Benign based on local population frequency. This variant was detected in 33% of patients studied by a panel of primary immunodeficiencies. Number of patients: 32. Only high quality variants are reported.

NM_000234.3(LIG1):c.2386-98T>C

Gene: LIG1 (DNA ligase 1; minus strand). Cytogenetic location: 19q13.33.
Variant type: single nucleotide variant.
Coding change: c.2386-98T>C on transcript NM_000234.3 (MANE Select); 98 bases into the intron before coding-DNA position 2386, T replaced by C.
Molecular consequence: intron variant.
Genome position (GRCh38, 1-based): chr19:48,119,288, A>G on the plus strand (T>C on the coding strand, the complement: LIG1 is on the minus strand). VCF-style: chr19-48119288-A-G. GRCh37 (hg19) VCF-style: chr19-48622545-A-G.
Other names: c.2293-98T>C (NM_001289063.2); c.2296-98T>C (NM_001320971.2); c.2182-98T>C (NM_001289064.2); c.2383-98T>C (NM_001320970.2).
Identifiers: ClinVar variation 2628229 (VCV002628229.2), dbSNP rs274883, ClinGen allele CA14715998.
Genomic context (GRCh38, chr19:48,119,288, plus strand): 5'-CCACAGGCCCAGCACTTGCTCCTGCCATCTAAAGCTGTGTACACTCATGGCCCCCACCCC[A>G]CTCTGGTCTACGCAGTATCCACAGAAAACCAGGGAAGTAGGGAGCTGGGGGTGCGGAGCA-3'